The following is an entry in ClinVar:

NM_000368.5(TSC1):c.3315T>G (p.Asp1105Glu)

Gene: TSC1 (TSC complex subunit 1; minus strand). Cytogenetic location: 9q34.13.
Variant type: single nucleotide variant.
Coding change: c.3315T>G on transcript NM_000368.5 (MANE Select); coding-DNA position 3315, T replaced by G.
Protein change: p.Asp1105Glu; replaces aspartic acid 1105 with glutamic acid.
Molecular consequence: missense variant. On other transcripts: non-coding transcript variant (5).
Genome position (GRCh38, 1-based): chr9:132,896,415, A>C on the plus strand (T>G on the coding strand, the complement: TSC1 is on the minus strand). VCF-style: chr9-132896415-A-C. GRCh37 (hg19) VCF-style: chr9-135771802-A-C.
Other names: c.3297T>G, p.Asp1099Glu (NM_001406603.1, NM_001406604.1); c.3273T>G, p.Asp1091Glu (NM_001406605.1, NM_001406606.1, NM_001406607.1); c.3270T>G, p.Asp1090Glu (NM_001406608.1, NM_001406609.1); c.3162T>G, p.Asp1054Glu (NM_001406610.1, NM_001162427.2); c.3159T>G, p.Asp1053Glu (NM_001406611.1, NM_001406612.1); c.3117T>G, p.Asp1039Glu (NM_001406613.1); c.2952T>G, p.Asp984Glu (NM_001406614.1, NM_001406615.1, NM_001406616.1 and 4 more transcripts); c.2949T>G, p.Asp983Glu (NM_001406620.1, NM_001406621.1, NM_001406622.1 and 1 more transcripts); and 8 more; short protein forms D1039E, D1100E, D1105E, D1054E, D1099E, D1053E, D1091E, D754E.
Identifiers: ClinVar variation 5031249 (VCV005031249.1).

ClinVar aggregate classification (germline): Uncertain significance (1 of 4 stars; one submission).

Conditions:
Hereditary cancer-predisposing syndrome. Also called: Neoplastic Syndromes, Hereditary; Tumor predisposition; Hereditary neoplastic syndrome; Hereditary Cancer Syndrome. Identifiers: Orphanet 140162, MedGen C0027672, MeSH D009386, MONDO:0015356.

Submission:

Ambry Genetics
Classification: Uncertain significance for Hereditary cancer-predisposing syndrome. Last evaluated: 2026-08-09. Review status: criteria provided, single submitter. Criteria: Ambry Variant Classification Scheme 2023. Collection method: clinical testing. Allele origin: germline.
Comment: The p.D1105E variant (also known as c.3315T>G), located in coding exon 21 of the TSC1 gene, results from a T to G substitution at nucleotide position 3315. The aspartic acid at codon 1105 is replaced by glutamic acid, an amino acid with highly similar properties. This amino acid position is conserved. In addition, the in silico prediction for this alteration is inconclusive. Based on the available evidence, the clinical significance of this variant remains unclear.